The following is an entry in ClinVar:

NM_000785.4(CYP27B1):c.386C>T (p.Ala129Val)

Gene: CYP27B1 (cytochrome P450 family 27 subfamily B member 1; minus strand). Cytogenetic location: 12q14.1.
Variant type: single nucleotide variant.
Coding change: c.386C>T on transcript NM_000785.4 (MANE Select); coding-DNA position 386, C replaced by T.
Protein change: p.Ala129Val; replaces alanine 129 with valine.
Molecular consequence: missense variant.
Genome position (GRCh38, 1-based): chr12:57,766,007, G>A on the plus strand (C>T on the coding strand, the complement: CYP27B1 is on the minus strand). VCF-style: chr12-57766007-G-A. GRCh37 (hg19) VCF-style: chr12-58159790-G-A.
Other names: short protein forms A129V.
Identifiers: ClinVar variation 1339453 (VCV001339453.4), dbSNP rs2140397587, ClinGen allele CA385507516.

ClinVar aggregate classification (germline): Likely pathogenic. Review status: criteria provided, multiple submitters, no conflicts (2 of 4 stars). 2 submissions from 2 submitters: Likely pathogenic (2). Last evaluated 2024-06-19.

Conditions:
Vitamin D-dependent rickets, type 1A. Also called: VITAMIN D HYDROXYLATION-DEFICIENT RICKETS, TYPE 1A; PDDR IA; PSEUDOVITAMIN D-DEFICIENCY RICKETS, TYPE IA. Identifiers: MedGen CN283242, MONDO:0020723, OMIM 264700.
Vitamin D-dependent rickets, type 1 (VDD1). Also called: VITAMIN D DEPENDENCY, TYPE 1. Identifiers: Orphanet 289157, MedGen C0268689, MONDO:0009924.

Submissions (2):

Fulgent Genetics
Classification: Likely pathogenic for Vitamin D-dependent rickets, type 1A. Last evaluated: 2024-06-19. Review status: criteria provided, single submitter. Criteria: ACMG Guidelines, 2015. Collection method: clinical testing. Allele origin: germline.

Laboratory of Cyto-molecular Genetics, Department of Anatomy, All India Institute of Medical Sciences (AIIMS), New Delhi
Classification: Likely pathogenic for Vitamin D-dependent rickets, type 1. Last evaluated: 2022-02-07. Review status: criteria provided, single submitter. Criteria: ACMG Guidelines, 2015. Collection method: clinical testing. Allele origin: germline. Affected: yes. Observed: 2 variant alleles.
Comment: p.(Ala129Val); missense variant

Literature cited by the submitters: PubMed 35738466 (cited by Laboratory of Cyto-molecular Genetics, Department of Anatomy, All India Institute of Medical Sciences (AIIMS), New Delhi).